The following is an entry in ClinVar:

ClinVar aggregate classification (germline): Uncertain significance. Review status: criteria provided, multiple submitters, no conflicts (2 of 4 stars). 3 submissions from 3 submitters: Uncertain significance (3). Last evaluated 2025-04-06.

Conditions:
Inborn genetic diseases. Identifiers: MedGen C0950123, MeSH D030342.
Early-infantile DEE. Also called: Early infantile epileptic encephalopathy; Ohtahara syndrome; Early infantile epileptic encephalopathy with suppression bursts. Identifiers: Orphanet 1934, MedGen C0393706, MONDO:0800491.

Allele frequency attached by ClinVar (database versions not stated): TOPMed 0.00001.

Submissions (3):

GeneDx
Classification: Uncertain significance. Last evaluated: 2025-04-06. Review status: criteria provided, single submitter. Criteria: GeneDx Variant Classification Process June 2021. Collection method: clinical testing. Allele origin: germline.
Comment: Not observed at significant frequency in large population cohorts (gnomAD); In silico analysis supports that this missense variant has a deleterious effect on protein structure/function; Has not been previously published as pathogenic or benign to our knowledge

Ambry Genetics
Classification: Uncertain significance for Inborn genetic diseases. Last evaluated: 2024-12-30. Review status: criteria provided, single submitter. Criteria: Ambry Variant Classification Scheme 2023. Collection method: clinical testing. Allele origin: germline.

Labcorp Genetics (formerly Invitae), Labcorp
Classification: Uncertain significance for Early-infantile DEE. Last evaluated: 2023-03-02. Review status: criteria provided, single submitter. Criteria: Invitae Variant Classification Sherloc (09022015). Collection method: clinical testing. Allele origin: germline.
Comment: In summary, the available evidence is currently insufficient to determine the role of this variant in disease. Therefore, it has been classified as a Variant of Uncertain Significance. Advanced modeling of protein sequence and biophysical properties (such as structural, functional, and spatial information, amino acid conservation, physicochemical variation, residue mobility, and thermodynamic stability) performed at Invitae indicates that this missense variant is not expected to disrupt HCN1 protein function. This variant has not been reported in the literature in individuals affected with HCN1-related conditions. This variant is not present in population databases (gnomAD no frequency). This sequence change replaces serine, which is neutral and polar, with tryptophan, which is neutral and slightly polar, at codon 847 of the HCN1 protein (p.Ser847Trp).

NM_021072.4(HCN1):c.2540C>G (p.Ser847Trp)

Gene: HCN1 (hyperpolarization activated cyclic nucleotide gated potassium channel 1; minus strand). Cytogenetic location: 5p12.
Variant type: single nucleotide variant.
Coding change: c.2540C>G on transcript NM_021072.4 (MANE Select); coding-DNA position 2540, C replaced by G.
Protein change: p.Ser847Trp; replaces serine 847 with tryptophan.
Molecular consequence: missense variant.
Genome position (GRCh38, 1-based): chr5:45,262,054, G>C on the plus strand (C>G on the coding strand, the complement: HCN1 is on the minus strand). VCF-style: chr5-45262054-G-C. GRCh37 (hg19) VCF-style: chr5-45262156-G-C.
Other names: c.2540C>G (NM_021072.3); short protein forms S847W.
Identifiers: ClinVar variation 2720175 (VCV002720175.6), dbSNP rs572698864, ClinGen allele CA359703137.